The following is an entry in ClinVar:

ClinVar aggregate classification (germline): Uncertain significance (1 of 4 stars; one submission).

Conditions:
MC3R-related disorder. Also called: MC3R-related condition.

Submission:

PreventionGenetics, part of Exact Sciences
Classification: Uncertain significance for MC3R-related condition. Last evaluated: 2026-07-20. Review status: criteria provided, single submitter. Criteria: ACMG Guidelines, 2015. Collection method: clinical testing. Allele origin: germline.
Comment: The MC3R c.304C>A variant is predicted to result in the amino acid substitution p.His102Asn. To our knowledge, this variant has not been reported in the literature or in a large population database (gnomAD), indicating this variant is rare. At this time, the clinical significance of this variant is uncertain due to the absence of conclusive functional and genetic evidence.

NM_019888.3(MC3R):c.304C>A (p.His102Asn)

Gene: MC3R (melanocortin 3 receptor; plus strand). Cytogenetic location: 20q13.2.
Variant type: single nucleotide variant.
Coding change: c.304C>A on transcript NM_019888.3 (MANE Select); coding-DNA position 304, C replaced by A.
Protein change: p.His102Asn; replaces histidine 102 with asparagine.
Molecular consequence: missense variant.
Genome position (GRCh38, 1-based): chr20:56,249,147, C>A. VCF-style: chr20-56249147-C-A. GRCh37 (hg19) VCF-style: chr20-54824203-C-A.
Other names: short protein forms H102N.
Identifiers: ClinVar variation 4980657 (VCV004980657.1).
Genomic context (GRCh38, chr20:56,249,147, plus strand): 5'-GTGGCCGACATGCTGGTAAGTGTGTCCAATGCCCTGGAGACCATCATGATCGCCATCGTC[C>A]ACAGCGACTACCTGACCTTCGAGGACCAGTTTATCCAGCACATGGACAACATCTTCGACT-3'
Protein context (NP_063941.3, residues 92-112): ALETIMIAIV[His102Asn]SDYLTFEDQF